The following is an entry in ClinVar:

NM_004525.3(LRP2):c.4641T>G (p.Ile1547Met)

Gene: LRP2 (LDL receptor related protein 2; minus strand). Cytogenetic location: 2q31.1.
Variant type: single nucleotide variant.
Coding change: c.4641T>G on transcript NM_004525.3 (MANE Select); coding-DNA position 4641, T replaced by G.
Protein change: p.Ile1547Met; replaces isoleucine 1547 with methionine.
Molecular consequence: missense variant.
Genome position (GRCh38, 1-based): chr2:169,237,153, A>C on the plus strand (T>G on the coding strand, the complement: LRP2 is on the minus strand). VCF-style: chr2-169237153-A-C. GRCh37 (hg19) VCF-style: chr2-170093663-A-C.
Other names: short protein forms I1547M.
Identifiers: ClinVar variation 2101644 (VCV002101644.1), dbSNP rs2528358797, ClinGen allele CA349143265.

ClinVar aggregate classification (germline): Uncertain significance (1 of 4 stars; one submission).

Submission:

Labcorp Genetics (formerly Invitae), Labcorp
Classification: Uncertain significance. Last evaluated: 2022-02-22. Review status: criteria provided, single submitter. Criteria: Invitae Variant Classification Sherloc (09022015). Collection method: clinical testing. Allele origin: germline.
Comment: This sequence change replaces isoleucine, which is neutral and non-polar, with methionine, which is neutral and non-polar, at codon 1547 of the LRP2 protein (p.Ile1547Met). This variant is not present in population databases (gnomAD no frequency). This variant has not been reported in the literature in individuals affected with LRP2-related conditions. Advanced modeling of protein sequence and biophysical properties (such as structural, functional, and spatial information, amino acid conservation, physicochemical variation, residue mobility, and thermodynamic stability) performed at Invitae indicates that this missense variant is expected to disrupt LRP2 protein function. In summary, the available evidence is currently insufficient to determine the role of this variant in disease. Therefore, it has been classified as a Variant of Uncertain Significance.